The following is an entry in ClinVar:

ClinVar aggregate classification (germline): Benign (1 of 4 stars; one submission).

Allele frequency attached by ClinVar (database versions not stated): 1000 Genomes Project 0.02416; 1000 Genomes Project 30x 0.02623; TOPMed 0.02932.
gnomAD v4.1: 3,834 of 152,260 alleles (2.5%); highest among the groups gnomAD compares: African/African-American, 8.7%; 159 homozygotes.

Submission:

GeneDx
Classification: Benign. Last evaluated: 2018-06-16. Review status: criteria provided, single submitter. Criteria: GeneDx Variant Classification (06012015). Collection method: clinical testing. Allele origin: germline. Affected: yes.
Comment: This variant is considered likely benign or benign based on one or more of the following criteria: it is a conservative change, it occurs at a poorly conserved position in the protein, it is predicted to be benign by multiple in silico algorithms, and/or has population frequency not consistent with disease.

NM_001080449.3(DNA2):c.1984-216C>A

Gene: DNA2 (DNA replication helicase/nuclease 2; minus strand). Cytogenetic location: 10q21.3.
Variant type: single nucleotide variant.
Coding change: c.1984-216C>A on transcript NM_001080449.3 (MANE Select); 216 bases into the intron before coding-DNA position 1984, C replaced by A.
Molecular consequence: intron variant.
Genome position (GRCh38, 1-based): chr10:68,430,876, G>T on the plus strand (C>A on the coding strand, the complement: DNA2 is on the minus strand). VCF-style: chr10-68430876-G-T. GRCh37 (hg19) VCF-style: chr10-70190633-G-T.
Identifiers: ClinVar variation 673694 (VCV000673694.1), dbSNP rs141279262, ClinGen allele CA208199333.